The following is an entry in ClinVar:

ClinVar aggregate classification (germline): Uncertain significance (1 of 4 stars; one submission).

Submission:

GeneDx
Classification: Uncertain significance. Last evaluated: 2018-05-30. Review status: criteria provided, single submitter. Criteria: GeneDx Variant Classification (06012015). Collection method: clinical testing. Allele origin: germline. Affected: yes.
Comment: This variant is denoted NF1 c.7761A>T at the cDNA level, p.Glu2587Asp (E2587D) at the protein level, and results in the change of a Glutamic Acid to an Aspartic Acid (GAA>GAT). This variant has not, to our knowledge, been published in the literature as a pathogenic or benign germline variant. NF1 Glu2587Asp was not observed in large population cohorts (Lek 2016). This variant is located in the C-terminal domain (Luo 2014). In silico analysis, which includes protein predictors and evolutionary conservation, supports that this variant does not alter protein structure/function. Based on currently available evidence, it is unclear whether NF1 Glu2587Asp is a pathogenic or benign variant. We consider it to be a variant of uncertain significance.

NM_001042492.3(NF1):c.7824A>T (p.Glu2608Asp)

Gene: NF1 (neurofibromin 1; plus strand). Cytogenetic location: 17q11.2.
Variant type: single nucleotide variant.
Coding change: c.7824A>T on transcript NM_001042492.3 (MANE Select); coding-DNA position 7824, A replaced by T.
Protein change: p.Glu2608Asp; replaces glutamic acid 2608 with aspartic acid.
Molecular consequence: missense variant.
Genome position (GRCh38, 1-based): chr17:31,357,045, A>T. VCF-style: chr17-31357045-A-T. GRCh37 (hg19) VCF-style: chr17-29684063-A-T.
Other names: c.7761A>T, p.Glu2587Asp (NM_000267.4); short protein forms E2587D, E2608D.
Identifiers: ClinVar variation 561863 (VCV000561863.1), dbSNP rs1567626984, ClinGen allele CA399018585.